The following is an entry in ClinVar:

NM_000180.4(GUCY2D):c.609G>A (p.Thr203=)

Gene: GUCY2D (guanylate cyclase 2D, retinal; plus strand). Cytogenetic location: 17p13.1.
Variant type: single nucleotide variant.
Coding change: c.609G>A on transcript NM_000180.4 (MANE Select); coding-DNA position 609, G replaced by A.
Protein change: p.Thr203=; no amino-acid change (threonine 203 retained).
Molecular consequence: synonymous variant.
Genome position (GRCh38, 1-based): chr17:8,003,656, G>A. VCF-style: chr17-8003656-G-A. GRCh37 (hg19) VCF-style: chr17-7906974-G-A.
Other names: c.609G>A (NM_000180.3).
Identifiers: ClinVar variation 2042450 (VCV002042450.6), dbSNP rs546417010, ClinGen allele CA8365518.
Genomic context (GRCh38, chr17:8,003,656, plus strand): 5'-CGTGGCCCTGGTCACCGCCCCCCAGGACCTGTGGGTGGAGGCGGGACGCTCACTGTCCAC[G>A]GCACTCAGGGCCCGGGGCCTGCCTGTCGCCTCCGTGACTTCCATGGAGCCCTTGGACCTG-3'
Protein context (NP_000171.1, residues 193-213): LWVEAGRSLS[Thr203=]ALRARGLPVA

ClinVar aggregate classification (germline): Likely benign. Review status: criteria provided, multiple submitters, no conflicts (2 of 4 stars). 3 submissions from 3 submitters: Likely benign (3). Last evaluated 2025-09-12.

Conditions:
Leber congenital amaurosis 1 (LCA1). Also called: AMAUROSIS CONGENITA OF LEBER I; Congenital absence of the rods and cones; Leber's congenital tapetoretinal degeneration; Leber's congenital tapetoretinal dysplasia; RETINAL BLINDNESS, CONGENITAL. Identifiers: Orphanet 65, MedGen C2931258, MONDO:0008764, OMIM 204000.
Cone-rod dystrophy 6 (CORD6). Also called: Cone dystrophy progressive; RETINAL CONE DYSTROPHY 2. Identifiers: Orphanet 1872, MedGen C1866293, MONDO:0011143, OMIM 601777.
GUCY2D-related disorder. Also called: GUCY2D-related condition.

Allele frequency attached by ClinVar (database versions not stated): gnomAD exomes below 0.00001; TOPMed 0.00001; ExAC 0.00002; gnomAD 0.00002; 1000 Genomes Project 30x 0.00016; 1000 Genomes Project 0.00020.
gnomAD v4.1: 6 of 1,595,264 alleles (0.00038%); highest among the groups gnomAD compares: Admixed American, 0.0033%; no homozygotes.

Submissions (3):

PreventionGenetics, part of Exact Sciences
Classification: Likely benign for GUCY2D-related condition. Last evaluated: 2025-09-12. Review status: criteria provided, single submitter. Criteria: ACMG Guidelines, 2015. Collection method: clinical testing. Allele origin: germline.
Comment: This variant is classified as likely benign based on ACMG/AMP sequence variant interpretation guidelines (Richards et al. 2015 PMID: 25741868, with internal and published modifications).

Labcorp Genetics (formerly Invitae), Labcorp
Classification: Likely benign for Leber congenital amaurosis 1; Cone-rod dystrophy 6. Last evaluated: 2023-08-30. Review status: criteria provided, single submitter. Criteria: Invitae Variant Classification Sherloc (09022015). Collection method: clinical testing. Allele origin: germline.

Blueprint Genetics
Classification: Likely benign. Last evaluated: 2022-04-12. Review status: criteria provided, single submitter. Criteria: ACMG Guidelines, 2015. Collection method: clinical testing. Allele origin: germline.